The following is an entry in ClinVar:

ClinVar aggregate classification (germline): Uncertain significance. Review status: criteria provided, multiple submitters, no conflicts (2 of 4 stars). 3 submissions from 3 submitters: Uncertain significance (3). Last evaluated 2025-01-13.

Conditions:
Tumor predisposition syndrome 3 (TPDS3). Also called: Melanoma, cutaneous malignant, susceptibility to, 10; Glioma susceptibility 9; LONG TELOMERE SYNDROME, POT1-RELATED; POT1 Tumor Predisposition. Identifiers: Orphanet 618, MedGen C4014476, MONDO:0014368, OMIM 615848.
Hereditary cancer-predisposing syndrome. Also called: Tumor predisposition; Neoplastic Syndromes, Hereditary; Hereditary Cancer Syndrome; Hereditary neoplastic syndrome. Identifiers: Orphanet 140162, MedGen C0027672, MeSH D009386, MONDO:0015356.

Submissions (3):

Ambry Genetics
Classification: Uncertain significance for Hereditary cancer-predisposing syndrome. Last evaluated: 2025-01-13. Review status: criteria provided, single submitter. Criteria: Ambry Variant Classification Scheme 2023. Collection method: clinical testing. Allele origin: germline.
Comment: The p.M544I variant (also known as c.1632G>A), located in coding exon 13 of the POT1 gene, results from a G to A substitution at nucleotide position 1632. The methionine at codon 544 is replaced by isoleucine, an amino acid with highly similar properties. This amino acid position is highly conserved in available vertebrate species. In addition, this alteration is predicted to be tolerated by in silico analysis. Based on the available evidence, the clinical significance of this variant remains unclear.

Labcorp Genetics (formerly Invitae), Labcorp
Classification: Uncertain significance for Tumor predisposition syndrome 3. Last evaluated: 2024-04-18. Review status: criteria provided, single submitter. Criteria: Invitae Variant Classification Sherloc (09022015). Collection method: clinical testing. Allele origin: germline.
Comment: This sequence change replaces methionine, which is neutral and non-polar, with isoleucine, which is neutral and non-polar, at codon 544 of the POT1 protein (p.Met544Ile). This variant is not present in population databases (gnomAD no frequency). This variant has not been reported in the literature in individuals affected with POT1-related conditions. ClinVar contains an entry for this variant (Variation ID: 1398790). Advanced modeling of protein sequence and biophysical properties (such as structural, functional, and spatial information, amino acid conservation, physicochemical variation, residue mobility, and thermodynamic stability) performed at Invitae indicates that this missense variant is not expected to disrupt POT1 protein function with a negative predictive value of 80%. In summary, the available evidence is currently insufficient to determine the role of this variant in disease. Therefore, it has been classified as a Variant of Uncertain Significance.

GeneDx
Classification: Uncertain significance. Last evaluated: 2022-08-03. Review status: criteria provided, single submitter. Criteria: GeneDx Variant Classification Process June 2021. Collection method: clinical testing. Allele origin: germline. Affected: yes.
Comment: Not observed at significant frequency in large population cohorts (gnomAD); In silico analysis supports that this missense variant does not alter protein structure/function; Has not been previously published as pathogenic or benign to our knowledge; This variant is associated with the following publications: (PMID: 28393830)

NM_015450.3(POT1):c.1632G>A (p.Met544Ile)

Gene: POT1 (protection of telomeres 1; minus strand). Cytogenetic location: 7q31.33.
Variant type: single nucleotide variant.
Coding change: c.1632G>A on transcript NM_015450.3 (MANE Select); coding-DNA position 1632, G replaced by A.
Protein change: p.Met544Ile; replaces methionine 544 with isoleucine.
Molecular consequence: missense variant. On other transcripts: non-coding transcript variant (3).
Genome position (GRCh38, 1-based): chr7:124,827,268, C>T on the plus strand (G>A on the coding strand, the complement: POT1 is on the minus strand). VCF-style: chr7-124827268-C-T. GRCh37 (hg19) VCF-style: chr7-124467322-C-T.
Other names: c.1239G>A, p.Met413Ile (NM_001042594.2); c.1632G>A (NM_015450.2); short protein forms M544I, M413I.
Identifiers: ClinVar variation 1398790 (VCV001398790.12), dbSNP rs2116414980, ClinGen allele CA369063115.